The following is an entry in ClinVar:

ClinVar aggregate classification (germline): Likely benign. Review status: criteria provided, single submitter (1 of 4 stars). 2 submissions from 2 submitters: Likely benign (1). 1 of the submissions does not count toward it. Last evaluated 2025-11-25.

Conditions:
COL4A6-related disorder. Also called: COL4A6-related condition.

Allele frequency attached by ClinVar (database versions not stated): TOPMed 0.00003; gnomAD 0.00005; ExAC 0.00006; gnomAD exomes 0.00006; ESP Exome Variant Server 0.00038.
gnomAD v4.1: 72 of 1,204,170 alleles (0.006%); highest among the groups gnomAD compares: Middle Eastern, 0.069%; no homozygotes.

Submissions (2):

Labcorp Genetics (formerly Invitae), Labcorp
Classification: Likely benign. Last evaluated: 2025-11-25. Review status: criteria provided, single submitter. Criteria: Invitae Variant Classification Sherloc (09022015). Collection method: clinical testing. Allele origin: germline.

PreventionGenetics, part of Exact Sciences
Classification: Likely benign for COL4A6-related condition. Last evaluated: 2019-08-07. Review status: no assertion criteria provided. Collection method: clinical testing. Allele origin: germline. Not counted in ClinVar's aggregate classification.
Comment: This variant is classified as likely benign based on ACMG/AMP sequence variant interpretation guidelines (Richards et al. 2015 PMID: 25741868, with internal and published modifications).

NM_033641.4(COL4A6):c.2361C>T (p.His787=)

Gene: COL4A6 (collagen type IV alpha 6 chain; minus strand). Cytogenetic location: Xq22.3.
Variant type: single nucleotide variant.
Coding change: c.2361C>T on transcript NM_033641.4 (MANE Select); coding-DNA position 2361, C replaced by T.
Protein change: p.His787=; no amino-acid change (histidine 787 retained).
Molecular consequence: synonymous variant.
Genome position (GRCh38, 1-based): chrX:108,178,838, G>A on the plus strand (C>T on the coding strand, the complement: COL4A6 is on the minus strand). VCF-style: chrX-108178838-G-A. GRCh37 (hg19) VCF-style: chrX-107422068-G-A.
Other names: c.2412C>T, p.His804= (NM_001287758.2); c.2361C>T, p.His787= (NM_001287759.2, NM_001287760.2); c.2364C>T, p.His788= (NM_001847.4); c.2364C>T (NM_001847.3).
Identifiers: ClinVar variation 2042787 (VCV002042787.6), dbSNP rs375971196, ClinGen allele CA10487632.